The following is an entry in ClinVar:

ClinVar aggregate classification (germline): Likely benign (1 of 4 stars; one submission).

Conditions:
MELAS syndrome (MELAS). Also called: Juvenile myopathy, encephalopathy, lactic acidosis, stroke. Identifiers: Orphanet 550, MedGen C0162671, MONDO:0010789, OMIM 540000.

Submission:

Wong Mito Lab, Molecular and Human Genetics, Baylor College of Medicine
Classification: Likely benign for MELAS syndrome. Last evaluated: 2019-07-12. Review status: criteria provided, single submitter. Criteria: Modified ACMG Guidelines (Unpublished). Collection method: clinical testing. Allele origin: germline.
Comment: The NC_012920.1:m.7567C>T variant in MT-TD gene is interpreted to be a Likely Benign variant based on the modified ACMG guidelines (unpublished). This variant meets the following evidence codes reported in the guidelines: BS2, BP4, BP6

Literature cited by the submitters: PubMed 31965079.

NC_012920.1(MT-TD):m.7567C>T

Gene: MT-TD (mitochondrially encoded tRNA aspartic acid; plus strand).
Variant type: single nucleotide variant.
Genome position: chrM-7567-C-T.
Identifiers: ClinVar variation 690051 (VCV000690051.1), dbSNP rs1603221018, ClinGen allele CA913177434.